The following is an entry in ClinVar:

NM_144666.3(DNHD1):c.1313C>T (p.Thr438Met)

Gene: DNHD1 (dynein heavy chain domain 1; plus strand). Cytogenetic location: 11p15.4.
Variant type: single nucleotide variant.
Coding change: c.1313C>T on transcript NM_144666.3 (MANE Select); coding-DNA position 1313, C replaced by T.
Protein change: p.Thr438Met; replaces threonine 438 with methionine.
Molecular consequence: missense variant.
Genome position (GRCh38, 1-based): chr11:6,511,350, C>T. VCF-style: chr11-6511350-C-T. GRCh37 (hg19) VCF-style: chr11-6532580-C-T.
Other names: c.1313C>T, p.Thr438Met (NM_173589.4); short protein forms T438M.
Identifiers: ClinVar variation 3905021 (VCV003905021.10).

ClinVar aggregate classification (germline): Uncertain significance (1 of 4 stars; one submission).

gnomAD v4.1: 22 of 1,614,126 alleles (0.0014%); highest among the groups gnomAD compares: Admixed American, 0.01%; 1 homozygote.

Submission:

CeGaT Center for Human Genetics Tuebingen
Classification: Uncertain significance. Last evaluated: 2025-05-01. Review status: criteria provided, single submitter. Criteria: CeGaT Center For Human Genetics Tuebingen Variant Classification Criteria Version 2. Collection method: clinical testing. Allele origin: germline. Affected: yes. Observed: 1 variant allele.
Comment: DNHD1: PM2, PP2, BP4